The following is an entry in ClinVar:

NM_020975.6(RET):c.44TGC[7] (p.Leu19_Pro20insLeuLeu)

Gene: RET (ret proto-oncogene; plus strand). Cytogenetic location: 10q11.21.
Variant type: Microsatellite.
Coding change: c.44TGC[7] on transcript NM_020975.6 (MANE Select); seven copies in a row of the 3-base unit TGC starting at c.44; the reference has five copies in a row; two copies, 6 bases duplicated.
Protein change: p.Leu19_Pro20insLeuLeu.
Molecular consequence: inframe insertion. On other transcripts: inframe indel (42).
Genome position (GRCh38, 1-based): chr10:43,077,311-43,077,316, TGCTGC duplicated; duplicating any 6 consecutive bases within chr10:43,077,302-43,077,316 gives the same sequence; the position shown is the placement nearest the transcript's 3' end. VCF-style (leftmost placement, unchanged base first): chr10-43077301-T-TTGCTGC. GRCh37 (hg19) VCF-style: chr10-43572749-T-TTGCTGC.
Other names: c.53_58dupTGCTGC (NM_020975.4); c.44_46TGC[7], p.Leu19_Pro20insLeuLeu (NM_000323.2, NM_001406743.1, NM_001406744.1 and 39 more transcripts).
Identifiers: ClinVar variation 1367349 (VCV001367349.10), dbSNP rs768132465, ClinGen allele CA1905814206.

ClinVar aggregate classification (germline): Conflicting classifications of pathogenicity. Review status: criteria provided, conflicting classifications (1 of 4 stars). 2 submissions from 2 submitters: Uncertain significance (1); Likely benign (1). Last evaluated 2025-10-29.

Conditions:
Hereditary cancer-predisposing syndrome. Also called: Neoplastic Syndromes, Hereditary; Tumor predisposition; Hereditary neoplastic syndrome; Hereditary Cancer Syndrome. Identifiers: Orphanet 140162, MedGen C0027672, MeSH D009386, MONDO:0015356.
Multiple endocrine neoplasia, type 2 (MEN2). Identifiers: Orphanet 653, MedGen C4048306, MONDO:0019003. Disease mechanism: gain of function.

Submissions (2):

Labcorp Genetics (formerly Invitae), Labcorp
Classification: Uncertain significance for Multiple endocrine neoplasia, type 2. Last evaluated: 2025-10-29. Review status: criteria provided, single submitter. Criteria: Invitae Variant Classification Sherloc (09022015). Collection method: clinical testing. Allele origin: germline.
Comment: This variant, c.53_58dup, results in the insertion of 2 amino acid(s) of the RET protein (p.Leu18_Leu19dup), but otherwise preserves the integrity of the reading frame. This variant is not present in population databases (gnomAD no frequency). This variant has not been reported in the literature in individuals affected with RET-related conditions. Experimental studies and prediction algorithms are not available or were not evaluated, and the functional significance of this variant is currently unknown. In summary, the available evidence is currently insufficient to determine the role of this variant in disease. Therefore, it has been classified as a Variant of Uncertain Significance.

Ambry Genetics
Classification: Likely benign for Hereditary cancer-predisposing syndrome. Last evaluated: 2022-12-23. Review status: criteria provided, single submitter. Criteria: Ambry Variant Classification Scheme 2023. Collection method: clinical testing. Allele origin: germline.